The following is an entry in ClinVar:

NM_003392.7(WNT5A):c.998A>G (p.Asp333Gly)

Gene: WNT5A (Wnt family member 5A; minus strand). Cytogenetic location: 3p14.3.
Variant type: single nucleotide variant.
Coding change: c.998A>G on transcript NM_003392.7 (MANE Select); coding-DNA position 998, A replaced by G.
Protein change: p.Asp333Gly; replaces aspartic acid 333 with glycine.
Molecular consequence: missense variant.
Genome position (GRCh38, 1-based): chr3:55,470,237, T>C on the plus strand (A>G on the coding strand, the complement: WNT5A is on the minus strand). VCF-style: chr3-55470237-T-C. GRCh37 (hg19) VCF-style: chr3-55504265-T-C.
Other names: c.998A>G (NM_003392.4); c.953A>G, p.Asp318Gly (NM_001256105.1, NM_001377271.1, NM_001377272.1); short protein forms D333G, D318G.
Identifiers: ClinVar variation 4741058 (VCV004741058.2).

ClinVar aggregate classification (germline): Conflicting classifications of pathogenicity. Review status: criteria provided, conflicting classifications (1 of 4 stars). 2 submissions from 2 submitters: Uncertain significance (1); Benign (1). Last evaluated 2025-08-12.

Submissions (2):

GeneDx
Classification: Uncertain significance. Last evaluated: 2025-08-12. Review status: criteria provided, single submitter. Criteria: GeneDx Variant Classification Process June 2021. Collection method: clinical testing. Allele origin: germline. Affected: yes.
Comment: Not observed at significant frequency in large population cohorts (gnomAD); In silico analysis supports that this missense variant has a deleterious effect on protein structure/function; Has not been previously published as pathogenic or benign to our knowledge

Labcorp Genetics (formerly Invitae), Labcorp
Classification: Benign. Last evaluated: 2025-07-21. Review status: criteria provided, single submitter. Criteria: Invitae Variant Classification Sherloc (09022015). Collection method: clinical testing. Allele origin: germline.